The following is an entry in ClinVar:

ClinVar aggregate classification (germline): Pathogenic (1 of 4 stars; one submission).

Conditions:
Hereditary cancer-predisposing syndrome. Also called: Hereditary Cancer Syndrome; Neoplastic Syndromes, Hereditary; Tumor predisposition; Hereditary neoplastic syndrome. Identifiers: Orphanet 140162, MedGen C0027672, MeSH D009386, MONDO:0015356.

Submission:

Ambry Genetics
Classification: Pathogenic for Hereditary cancer-predisposing syndrome. Last evaluated: 2023-08-18. Review status: criteria provided, single submitter. Criteria: Ambry Variant Classification Scheme 2023. Collection method: clinical testing. Allele origin: germline.
Comment: The c.526_527delCA pathogenic mutation, located in coding exon 5 of the RB1 gene, results from a deletion of two nucleotides at nucleotide positions 526 to 527, causing a translational frameshift with a predicted alternate stop codon (p.Q176Tfs*8). This variant is considered to be rare based on population cohorts in the Genome Aggregation Database (gnomAD). This alteration is expected to result in loss of function by premature protein truncation or nonsense-mediated mRNA decay. As such, this alteration is interpreted as a disease-causing mutation.

NM_000321.3(RB1):c.526_527del (p.Gln176fs)

Gene: RB1 (RB transcriptional corepressor 1; plus strand). Cytogenetic location: 13q14.2.
Variant type: Microsatellite.
Coding change: c.526_527del on transcript NM_000321.3 (MANE Select); coding-DNA positions 526 to 527, 2 bases deleted (CA; older notation c.526_527delCA).
Protein change: p.Gln176fs; shifts the reading frame from glutamine 176.
Molecular consequence: frameshift variant.
Genome position (GRCh38, 1-based): chr13:48,347,850-48,347,851, CA deleted; deleting any 2 consecutive bases within chr13:48,347,847-48,347,851 gives the same sequence; the c. name uses the placement nearest the transcript's 3' end. VCF-style (leftmost placement, unchanged base first): chr13-48347846-GAC-G. GRCh37 (hg19) VCF-style: chr13-48921982-GAC-G.
Other names: c.524_525CA[1], p.Gln176Thrfs (NM_000321.2, NM_001407165.1, NM_001407166.1); c.526_527delCA (NM_000321.2); short protein forms Q176fs.
Identifiers: ClinVar variation 1746436 (VCV001746436.3), dbSNP rs2542163695, ClinGen allele CA645578614.
Genomic context (GRCh38, chr13:48,347,846, plus strand): 5'-CGAAAAAATGTTAAAAAGTCATAATGTTTTTCTTTTCAGGACATGTGAACTTATATATTT[GAC>G]ACAACCCAGCAGTTCGTAAGTAGTTCACAGAATGTTATTTTTCACTTAAAAAAAAAGATT-3'